The following is an entry in ClinVar:

NC_000020.10:g.(?_49551669)_(49576762_?)del

Genes: DPM1 (dolichyl-phosphate mannosyltransferase subunit 1, catalytic; minus strand), MOCS3 (molybdenum cofactor synthesis 3; plus strand). Cytogenetic location: 20q13.13.
Variant type: Deletion.
Identifiers: ClinVar variation 1513376 (VCV001513376.4).

ClinVar aggregate classification (germline): Uncertain significance (1 of 4 stars; one submission).

Submission:

Labcorp Genetics (formerly Invitae), Labcorp
Classification: Uncertain significance. Last evaluated: 2022-06-05. Review status: criteria provided, single submitter. Criteria: Invitae Variant Classification Sherloc (09022015). Collection method: clinical testing. Allele origin: germline.
Comment: A gross deletion of the genomic region encompassing the full coding sequence of the MOCS3 gene has been identified. The current clinical and genetic evidence is not sufficient to establish whether loss-of-function variants in MOCS3 cause disease. The boundaries of this event are unknown as they extend beyond the assayed region for this gene and therefore may encompass additional genes. This variant has not been reported in the literature in individuals affected with MOCS3-related conditions. In summary, the available evidence is currently insufficient to determine the role of this variant in disease. Therefore, it has been classified as a Variant of Uncertain Significance.